The following is an entry in ClinVar:

ClinVar aggregate classification (germline): Uncertain significance. Review status: criteria provided, multiple submitters, no conflicts (2 of 4 stars). 2 submissions from 2 submitters: Uncertain significance (2). Last evaluated 2025-04-07.

Conditions:
Inborn genetic diseases. Identifiers: MedGen C0950123, MeSH D030342.

Allele frequency attached by ClinVar (database versions not stated): gnomAD exomes 0.00001; TOPMed 0.00004; ExAC 0.00003; gnomAD 0.00009.
gnomAD v4.1: 36 of 1,613,392 alleles (0.0022%); highest among the groups gnomAD compares: Admixed American, 0.03%; no homozygotes.

Submissions (2):

Ambry Genetics
Classification: Uncertain significance for Inborn genetic diseases. Last evaluated: 2025-04-07. Review status: criteria provided, single submitter. Criteria: Ambry Variant Classification Scheme 2023. Collection method: clinical testing. Allele origin: germline.

Labcorp Genetics (formerly Invitae), Labcorp
Classification: Uncertain significance. Last evaluated: 2022-07-06. Review status: criteria provided, single submitter. Criteria: Invitae Variant Classification Sherloc (09022015). Collection method: clinical testing. Allele origin: germline.
Comment: In summary, the available evidence is currently insufficient to determine the role of this variant in disease. Therefore, it has been classified as a Variant of Uncertain Significance. Algorithms developed to predict the effect of missense changes on protein structure and function output the following: SIFT: "Tolerated"; PolyPhen-2: "Benign"; Align-GVGD: "Class C0". The isoleucine amino acid residue is found in multiple mammalian species, which suggests that this missense change does not adversely affect protein function. This variant has not been reported in the literature in individuals affected with SZT2-related conditions. This variant is present in population databases (rs779500330, gnomAD 0.01%). This sequence change replaces valine, which is neutral and non-polar, with isoleucine, which is neutral and non-polar, at codon 1133 of the SZT2 protein (p.Val1133Ile).

NM_001365999.1(SZT2):c.3568G>A (p.Val1190Ile)

Gene: SZT2 (SZT2 subunit of KICSTOR complex; plus strand). Cytogenetic location: 1p34.2.
Variant type: single nucleotide variant.
Coding change: c.3568G>A on transcript NM_001365999.1 (MANE Select); coding-DNA position 3568, G replaced by A.
Protein change: p.Val1190Ile; replaces valine 1190 with isoleucine.
Molecular consequence: missense variant.
Genome position (GRCh38, 1-based): chr1:43,427,415, G>A. VCF-style: chr1-43427415-G-A. GRCh37 (hg19) VCF-style: chr1-43893086-G-A.
Other names: c.3397G>A, p.Val1133Ile (NM_015284.4); c.3397G>A (NM_015284.3); short protein forms V1133I, V1190I.
Identifiers: ClinVar variation 2201541 (VCV002201541.3), dbSNP rs779500330, ClinGen allele CA809020.